The following is an entry in ClinVar:

ClinVar aggregate classification (germline): Uncertain significance. Review status: criteria provided, multiple submitters, no conflicts (2 of 4 stars). 2 submissions from 2 submitters: Uncertain significance (2). Last evaluated 2021-09-01.

Conditions:
Intellectual disability-facial dysmorphism syndrome due to SETD5 haploinsufficiency (MRD23). Also called: Intellectual developmental disorder, autosomal dominant 23. Identifiers: Orphanet 404440, MedGen C3810406, MONDO:0014336, OMIM 615761.

Allele frequency attached by ClinVar (database versions not stated): gnomAD exomes below 0.00001.
gnomAD v4.1: 1 of 1,564,846 alleles (0.000064%); highest among the groups gnomAD compares: Non-Finnish European, 0.000087%; no homozygotes.

Submissions (2):

Revvity Omics, Revvity
Classification: Uncertain significance for Intellectual disability-facial dysmorphism syndrome due to SETD5 haploinsufficiency. Last evaluated: 2021-09-01. Review status: criteria provided, single submitter. Criteria: ACMG Guidelines, 2015. Collection method: clinical testing. Allele origin: germline.

Baylor Genetics
Classification: Uncertain significance for Intellectual disability-facial dysmorphism syndrome due to SETD5 haploinsufficiency. Last evaluated: 2019-11-08. Review status: criteria provided, single submitter. Criteria: ACMG Guidelines, 2015. Collection method: clinical testing. Allele origin: unknown. Affected: yes.
Comment: This variant was determined to be of uncertain significance according to ACMG Guidelines, 2015 [PMID:25741868].

NM_001080517.3(SETD5):c.2346+3A>G

Gene: SETD5 (SET domain containing 5; plus strand). Cytogenetic location: 3p25.3.
Variant type: single nucleotide variant.
Coding change: c.2346+3A>G on transcript NM_001080517.3 (MANE Select); 3 bases into the intron after coding-DNA position 2346, A replaced by G.
Molecular consequence: intron variant.
Genome position (GRCh38, 1-based): chr3:9,448,633, A>G. VCF-style: chr3-9448633-A-G. GRCh37 (hg19) VCF-style: chr3-9490317-A-G.
Other names: c.2052+3A>G (NM_001349451.2, NM_001292043.2).
Identifiers: ClinVar variation 1031047 (VCV001031047.4), dbSNP rs2042277820, ClinGen allele CA1344733688.
Genomic context (GRCh38, chr3:9,448,633, plus strand): 5'-CCCTGAGAGACGTCGAAGGCCCCTTCTGCCTGATGGCACATTCAGCTCCTGTAAGAAGGT[A>G]TGTCTGTGTTTTTGTGTGTGTGTTGTGTTTATGTGTGTGTGCTTTATTTTTTTAAGCCTA-3'